The following is an entry in ClinVar:

ClinVar aggregate classification (germline): Uncertain significance (1 of 4 stars; one submission).

Conditions:
Candidiasis, familial, 9 (CANDF9). Identifiers: Orphanet 1334, MedGen C4225324, MONDO:0014642, OMIM 616445.

Submission:

Labcorp Genetics (formerly Invitae), Labcorp
Classification: Uncertain significance for Candidiasis, familial, 9. Last evaluated: 2025-03-31. Review status: criteria provided, single submitter. Criteria: Invitae Variant Classification Sherloc (09022015). Collection method: clinical testing. Allele origin: germline.
Comment: This sequence change replaces histidine, which is basic and polar, with tyrosine, which is neutral and polar, at codon 674 of the IL17RC protein (p.His674Tyr). This variant is not present in population databases (gnomAD no frequency). This variant has not been reported in the literature in individuals affected with IL17RC-related conditions. ClinVar contains an entry for this variant (Variation ID: 1982028). An algorithm developed to predict the effect of missense changes on protein structure and function (PolyPhen-2) suggests that this variant is likely to be tolerated. In summary, the available evidence is currently insufficient to determine the role of this variant in disease. Therefore, it has been classified as a Variant of Uncertain Significance.

NM_153460.4(IL17RC):c.1807C>T (p.His603Tyr)

Gene: IL17RC (interleukin 17 receptor C; plus strand). Cytogenetic location: 3p25.3.
Variant type: single nucleotide variant.
Coding change: c.1807C>T on transcript NM_153460.4 (MANE Select); coding-DNA position 1807, C replaced by T.
Protein change: p.His603Tyr; replaces histidine 603 with tyrosine.
Molecular consequence: missense variant. On other transcripts: non-coding transcript variant (1).
Genome position (GRCh38, 1-based): chr3:9,933,237, C>T. VCF-style: chr3-9933237-C-T. GRCh37 (hg19) VCF-style: chr3-9974921-C-T.
Other names: c.1729C>T, p.His577Tyr (NM_001367278.1); c.1648C>T, p.His550Tyr (NM_001367279.1); c.1723C>T, p.His575Tyr (NM_001367280.1); c.1672C>T, p.His558Tyr (NM_001410711.1); c.1762C>T, p.His588Tyr (NM_032732.6); c.2020C>T, p.His674Tyr (NM_153461.4); c.1768C>T, p.His590Tyr (NM_001203263.2); c.1717C>T, p.His573Tyr (NM_001203264.2); and 1 more; short protein forms H558Y, H575Y, H603Y, H573Y, H577Y, H590Y, H550Y, H571Y.
Identifiers: ClinVar variation 1982028 (VCV001982028.4), dbSNP rs2470442908, ClinGen allele CA351707468.